The following is an entry in ClinVar:

ClinVar aggregate classification (germline): Conflicting classifications of pathogenicity. Review status: criteria provided, conflicting classifications (1 of 4 stars). 2 submissions from 2 submitters: Likely pathogenic (1); Uncertain significance (1). Last evaluated 2026-01-26.

Conditions:
Retinitis pigmentosa 31 (RP31). Identifiers: Orphanet 791, MedGen C1835923, MONDO:0012367, OMIM 609923.

Submissions (2):

Medical and Scientific Branch, Hong Kong Genome Institute
Classification: Likely pathogenic for Retinitis pigmentosa 31. Last evaluated: 2026-01-26. Review status: criteria provided, single submitter. Criteria: ACMG Guidelines, 2015. Collection method: clinical testing. Allele origin: unknown. Affected: yes.

Labcorp Genetics (formerly Invitae), Labcorp
Classification: Uncertain significance. Last evaluated: 2025-01-29. Review status: criteria provided, single submitter. Criteria: Invitae Variant Classification Sherloc (09022015). Collection method: clinical testing. Allele origin: germline.
Comment: This sequence change creates a premature translational stop signal (p.Pro21Alafs*8) in the TOPORS gene. It is expected to result in an absent or disrupted protein product. However, the current clinical and genetic evidence is not sufficient to establish whether loss-of-function variants in TOPORS cause disease. This variant is present in population databases (no rsID available, gnomAD 0.01%). This variant has not been reported in the literature in individuals affected with TOPORS-related conditions. In summary, the available evidence is currently insufficient to determine the role of this variant in disease. Therefore, it has been classified as a Variant of Uncertain Significance.

NM_005802.5(TOPORS):c.59dup (p.Pro21fs)

Gene: TOPORS (TOP1 binding arginine/serine rich protein, E3 ubiquitin ligase; minus strand). Cytogenetic location: 9p21.1.
Variant type: Duplication.
Coding change: c.59dup on transcript NM_005802.5 (MANE Select); coding-DNA position 59, one base duplicated (C; older notation c.59dupC).
Protein change: p.Pro21fs; shifts the reading frame from proline 21.
Molecular consequence: frameshift variant. On other transcripts: intron variant (1).
Genome position (GRCh38, 1-based): chr9:32,550,913, G duplicated on the plus strand (C on the coding strand, the reverse complement: TOPORS is on the minus strand); the first of 5 consecutive G bases (chr9:32,550,913-32,550,917); duplicating any one gives the same sequence. VCF-style (leftmost placement, unchanged base first): chr9-32550912-C-CG. GRCh37 (hg19) VCF-style: chr9-32550910-C-CG.
Other names: c.3+1521dup (NM_001195622.2); short protein forms P21fs.
Identifiers: ClinVar variation 3616006 (VCV003616006.3).